The following is an entry in ClinVar:

NM_003718.5(CDK13):c.3929A>C (p.Gln1310Pro)

Gene: CDK13 (cyclin dependent kinase 13; plus strand). Cytogenetic location: 7p14.1.
Variant type: single nucleotide variant.
Coding change: c.3929A>C on transcript NM_003718.5 (MANE Select); coding-DNA position 3929, A replaced by C.
Protein change: p.Gln1310Pro; replaces glutamine 1310 with proline.
Molecular consequence: missense variant.
Genome position (GRCh38, 1-based): chr7:40,094,370, A>C. VCF-style: chr7-40094370-A-C. GRCh37 (hg19) VCF-style: chr7-40133969-A-C.
Other names: c.3749A>C, p.Gln1250Pro (NM_031267.4); short protein forms Q1250P, Q1310P.
Identifiers: ClinVar variation 3370869 (VCV003370869.1).

ClinVar aggregate classification (germline): Uncertain significance (1 of 4 stars; one submission).

Submission:

GeneDx
Classification: Uncertain significance. Last evaluated: 2024-03-10. Review status: criteria provided, single submitter. Criteria: GeneDx Variant Classification Process June 2021. Collection method: clinical testing. Allele origin: germline. Affected: yes.
Comment: Not observed at significant frequency in large population cohorts (gnomAD); In silico analysis supports that this missense variant does not alter protein structure/function; Has not been previously published as pathogenic or benign to our knowledge